The following is an entry in ClinVar:

NM_138694.4(PKHD1):c.7673G>A (p.Arg2558Gln)

Gene: PKHD1 (PKHD1 ciliary IPT domain containing fibrocystin/polyductin; minus strand). Cytogenetic location: 6p12.2.
Variant type: single nucleotide variant.
Coding change: c.7673G>A on transcript NM_138694.4 (MANE Select); coding-DNA position 7673, G replaced by A.
Protein change: p.Arg2558Gln; replaces arginine 2558 with glutamine.
Molecular consequence: missense variant.
Genome position (GRCh38, 1-based): chr6:51,867,923, C>T on the plus strand (G>A on the coding strand, the complement: PKHD1 is on the minus strand). VCF-style: chr6-51867923-C-T. GRCh37 (hg19) VCF-style: chr6-51732721-C-T.
Other names: c.7673G>A, p.Arg2558Gln (NM_170724.3); short protein forms R2558Q.
Identifiers: ClinVar variation 660453 (VCV000660453.5), dbSNP rs369677008, ClinGen allele CA3851877.

ClinVar aggregate classification (germline): Uncertain significance. Review status: criteria provided, multiple submitters, no conflicts (2 of 4 stars). 3 submissions from 3 submitters: Uncertain significance (2). 1 of the submissions does not count toward it. Last evaluated 2023-05-11.

Conditions:
Autosomal recessive polycystic kidney disease (ARPKD). Also called: AR polycystic kidney disease. Identifiers: Orphanet 731, Orphanet 8378, MedGen C0085548, MeSH D017044, MONDO:0009889.

Allele frequency attached by ClinVar (database versions not stated): TOPMed 0.00003; ESP Exome Variant Server 0.00008.
gnomAD v4.1: 25 of 1,613,060 alleles (0.0015%); highest among the groups gnomAD compares: African/African-American, 0.0027%; no homozygotes.

Submissions (4):

GeneDx
Classification: Uncertain significance. Last evaluated: 2023-05-11. Review status: criteria provided, single submitter. Criteria: GeneDx Variant Classification Process June 2021. Collection method: clinical testing. Allele origin: germline. Affected: yes.
Comment: Reported as a non-disease causing polymorphism in patients with ARPKD in published literature (Obeidova et al., 2015); Not observed at significant frequency in large population cohorts (gnomAD); In silico analysis supports that this missense variant does not alter protein structure/function; This variant is associated with the following publications: (PMID: 26695994)

Labcorp Genetics (formerly Invitae), Labcorp
Classification: Uncertain significance for Autosomal recessive polycystic kidney disease. Last evaluated: 2021-09-01. Review status: criteria provided, single submitter. Criteria: Invitae Variant Classification Sherloc (09022015). Collection method: clinical testing. Allele origin: germline.
Comment: This sequence change replaces arginine with glutamine at codon 2558 of the PKHD1 protein (p.Arg2558Gln). The arginine residue is weakly conserved and there is a small physicochemical difference between arginine and glutamine. This variant is present in population databases (rs369677008, ExAC 0.01%). This missense change has been observed in individual(s) with polycystic kidney disease (PMID: 26695994). Algorithms developed to predict the effect of missense changes on protein structure and function output the following: SIFT: "Tolerated"; PolyPhen-2: "Benign"; Align-GVGD: "Class C0". The glutamine amino acid residue is found in multiple mammalian species, which suggests that this missense change does not adversely affect protein function. In summary, the available evidence is currently insufficient to determine the role of this variant in disease. Therefore, it has been classified as a Variant of Uncertain Significance.

Natera, Inc.
Classification: Uncertain significance for Autosomal recessive polycystic kidney disease. Last evaluated: 2018-10-23. Review status: no assertion criteria provided. Collection method: clinical testing. Allele origin: germline. Not counted in ClinVar's aggregate classification.

Dr. Peter K. Rogan Lab, Western University
No classification provided (evidence only). Condition: Familial cancer of breast. Review status: no classification provided. Collection method: in vitro. Allele origin: not applicable. Functional consequence: retained intron. Not counted in ClinVar's aggregate classification.

Literature cited by the submitters: PubMed 26695994 (cited by Labcorp Genetics (formerly Invitae), Labcorp).